The following is an entry in ClinVar:

ClinVar aggregate classification (germline): Uncertain significance (1 of 4 stars; one submission).

Conditions:
Ataxia-telangiectasia syndrome (AT). Also called: Ataxia-telangiectasia, complementation group E; ATAXIA-TELANGIECTASIA, COMPLEMENTATION GROUP A; ATAXIA-TELANGIECTASIA, FRESNO VARIANT; Ataxia-telangiectasia, complementation group D; AT, COMPLEMENTATION GROUP C; Ataxia-telangiectasia. Identifiers: Orphanet 100, MedGen C0004135, MONDO:0008840, OMIM 208900.

Submission:

Labcorp Genetics (formerly Invitae), Labcorp
Classification: Uncertain significance for Ataxia-telangiectasia syndrome. Last evaluated: 2024-07-02. Review status: criteria provided, single submitter. Criteria: Invitae Variant Classification Sherloc (09022015). Collection method: clinical testing. Allele origin: germline.
Comment: This sequence change replaces glutamic acid, which is acidic and polar, with glutamine, which is neutral and polar, at codon 642 of the ATM protein (p.Glu642Gln). This variant is not present in population databases (gnomAD no frequency). This variant has not been reported in the literature in individuals affected with ATM-related conditions. An algorithm developed to predict the effect of missense changes on protein structure and function (PolyPhen-2) suggests that this variant is likely to be disruptive. Algorithms developed to predict the effect of sequence changes on RNA splicing suggest that this variant may disrupt the consensus splice site. In summary, the available evidence is currently insufficient to determine the role of this variant in disease. Therefore, it has been classified as a Variant of Uncertain Significance.

NM_000051.4(ATM):c.1924G>C (p.Glu642Gln)

Gene: ATM (ATM serine/threonine kinase; plus strand). Cytogenetic location: 11q22.3.
Variant type: single nucleotide variant.
Coding change: c.1924G>C on transcript NM_000051.4 (MANE Select); coding-DNA position 1924, G replaced by C.
Protein change: p.Glu642Gln; replaces glutamic acid 642 with glutamine.
Molecular consequence: missense variant.
Genome position (GRCh38, 1-based): chr11:108,253,839, G>C. VCF-style: chr11-108253839-G-C. GRCh37 (hg19) VCF-style: chr11-108124566-G-C.
Other names: c.1924G>C, p.Glu642Gln (NM_001351834.2); short protein forms E642Q.
Identifiers: ClinVar variation 3702210 (VCV003702210.2).